The following is an entry in ClinVar:

NM_015450.3(POT1):c.575C>T (p.Pro192Leu)

Gene: POT1 (protection of telomeres 1; minus strand). Cytogenetic location: 7q31.33.
Variant type: single nucleotide variant.
Coding change: c.575C>T on transcript NM_015450.3 (MANE Select); coding-DNA position 575, C replaced by T.
Protein change: p.Pro192Leu; replaces proline 192 with leucine.
Molecular consequence: missense variant. On other transcripts: non-coding transcript variant (3).
Genome position (GRCh38, 1-based): chr7:124,859,084, G>A on the plus strand (C>T on the coding strand, the complement: POT1 is on the minus strand). VCF-style: chr7-124859084-G-A. GRCh37 (hg19) VCF-style: chr7-124499138-G-A.
Other names: c.182C>T, p.Pro61Leu (NM_001042594.2); short protein forms P192L, P61L.
Identifiers: ClinVar variation 1749469 (VCV001749469.2), dbSNP rs2116526452, ClinGen allele CA369056749.

ClinVar aggregate classification (germline): Uncertain significance (1 of 4 stars; one submission).

Conditions:
Hereditary cancer-predisposing syndrome. Also called: Hereditary Cancer Syndrome; Hereditary neoplastic syndrome; Neoplastic Syndromes, Hereditary; Tumor predisposition. Identifiers: Orphanet 140162, MedGen C0027672, MeSH D009386, MONDO:0015356.

Allele frequency attached by ClinVar (database versions not stated): gnomAD exomes below 0.00001.
gnomAD v4.1: 1 of 1,603,052 alleles (0.000062%); highest among the groups gnomAD compares: Non-Finnish European, 0.000085%; no homozygotes.

Submission:

Ambry Genetics
Classification: Uncertain significance for Hereditary cancer-predisposing syndrome. Last evaluated: 2022-06-15. Review status: criteria provided, single submitter. Criteria: Ambry Variant Classification Scheme 2023. Collection method: clinical testing. Allele origin: germline.
Comment: The p.P192L variant (also known as c.575C>T), located in coding exon 5 of the POT1 gene, results from a C to T substitution at nucleotide position 575. The proline at codon 192 is replaced by leucine, an amino acid with similar properties. This amino acid position is conserved. In addition, this alteration is predicted to be tolerated by in silico analysis. Since supporting evidence is limited at this time, the clinical significance of this alteration remains unclear.